The following is an entry in ClinVar:

NM_003327.4(TNFRSF4):c.641_642del (p.Ala214fs)

Gene: TNFRSF4 (TNF receptor superfamily member 4; minus strand). Cytogenetic location: 1p36.33.
Variant type: Deletion.
Coding change: c.641_642del on transcript NM_003327.4 (MANE Select); coding-DNA positions 641 to 642, 2 bases deleted (CG; older notation c.641_642delCG).
Protein change: p.Ala214fs; shifts the reading frame from alanine 214.
Molecular consequence: frameshift variant.
Genome position (GRCh38, 1-based): chr1:1,211,825-1,211,826, CG deleted on the plus strand (CG on the coding strand, the reverse complement: TNFRSF4 is on the minus strand); deleting any 2 consecutive bases within chr1:1,211,825-1,211,827 gives the same sequence; the c. name uses the placement nearest the transcript's 3' end. VCF-style (leftmost placement, unchanged base first): chr1-1211824-CCG-C. GRCh37 (hg19) VCF-style: chr1-1147204-CCG-C.
Other names: short protein forms A214fs.
Identifiers: ClinVar variation 1395601 (VCV001395601.6), dbSNP rs2100949964, ClinGen allele CA2573130794.

ClinVar aggregate classification (germline): Uncertain significance (1 of 4 stars; one submission).

Conditions:
Combined immunodeficiency due to OX40 deficiency. Also called: Immunodeficiency 16; OX40 DEFICIENCY. Identifiers: Orphanet 431149, MedGen C3810053, MONDO:0014268, OMIM 615593.

Submission:

Labcorp Genetics (formerly Invitae), Labcorp
Classification: Uncertain significance for Combined immunodeficiency due to OX40 deficiency. Last evaluated: 2021-05-17. Review status: criteria provided, single submitter. Criteria: Invitae Variant Classification Sherloc (09022015). Collection method: clinical testing. Allele origin: germline.
Comment: In summary, the available evidence is currently insufficient to determine the role of this variant in disease. Therefore, it has been classified as a Variant of Uncertain Significance. Experimental studies and prediction algorithms are not available or were not evaluated, and the functional significance of this variant is currently unknown. This variant has not been reported in the literature in individuals with TNFRSF4-related conditions. The frequency data for this variant in the population databases is considered unreliable, as metrics indicate insufficient coverage at this position in the ExAC database. This sequence change results in a frameshift in the TNFRSF4 gene (p.Ala214Glyfs*106). While this is not anticipated to result in nonsense mediated decay, it is expected to disrupt the last 64 amino acid(s) of the TNFRSF4 protein and extend the protein by 41 additional amino acid residues.